The following is an entry in ClinVar:

ClinVar aggregate classification (germline): Likely pathogenic (1 of 4 stars; one submission).

Conditions:
Proteinuria, chronic benign. Identifiers: MedGen C5394384, MONDO:0030042, OMIM 618884.
Imerslund-Grasbeck syndrome type 1 (IGS1). Also called: MEGALOBLASTIC ANEMIA, 1; Imerslund-Gräsbeck syndrome 1; Megaloblastic anemia 1, Finnish type. Identifiers: MedGen C4016819, MONDO:0100156, OMIM 261100.

Submission:

Juno Genomics, Hangzhou Juno Genomics, Inc
Classification: Likely pathogenic for Proteinuria, chronic benign; Imerslund-Grasbeck syndrome type 1. Review status: criteria provided, single submitter. Criteria: ACMG Guidelines, 2015. Collection method: clinical testing. Allele origin: germline.
Comment: Absent from controls (or at extremely low frequency if recessive) in Genome Aggregation Database.;Null variant in a gene where loss of function (LOF) is a known mechanism of disease.

NM_001081.4(CUBN):c.1231-34_1238dup

Genes: CUBN (cubilin; minus strand), LOC129390143 (MPRA-validated peak884 silencer; plus strand). Cytogenetic location: 10p13.
Variant type: Duplication.
Coding change: c.1231-34_1238dup on transcript NM_001081.4 (MANE Select); 34 bases into the intron before coding-DNA position 1231 through coding-DNA position 1238, 42 bases duplicated.
Molecular consequence: splice acceptor variant.
Genome position (GRCh38, 1-based): chr10:17,104,598-17,104,639, 42 bases duplicated; duplicating any 42 consecutive bases within chr10:17,104,598-17,104,640 gives the same sequence; the c. name uses the placement nearest the transcript's 3' end. GRCh37 (hg19): chr10:17,146,598-17,146,639.
Identifiers: ClinVar variation 5019656 (VCV005019656.2).